The following is an entry in ClinVar:

ClinVar aggregate classification (germline): Pathogenic (1 of 4 stars; one submission).

Conditions:
Fanconi anemia complementation group O. Also called: RAD51C-Related Fanconi Anemia. Identifiers: Orphanet 84, MedGen C3150653, MONDO:0013248, OMIM 613390.

Submission:

Labcorp Genetics (formerly Invitae), Labcorp
Classification: Pathogenic for Fanconi anemia complementation group O. Last evaluated: 2026-01-01. Review status: criteria provided, single submitter. Criteria: Invitae Variant Classification Sherloc (09022015). Collection method: clinical testing. Allele origin: germline.
Comment: This sequence change creates a premature translational stop signal (p.Gln11*) in the RAD51C gene. It is expected to result in an absent or disrupted protein product. Loss-of-function variants in RAD51C are known to be pathogenic (PMID: 20400964, 21990120, 24800917, 29278735). This variant is not present in population databases (gnomAD no frequency). This variant has not been reported in the literature in individuals affected with RAD51C-related conditions. ClinVar contains an entry for this variant (Variation ID: 575818). For these reasons, this variant has been classified as Pathogenic.

Literature cited by the submitters: PubMed 20400964; PubMed 21990120; PubMed 24800917; PubMed 29278735.

NM_058216.3(RAD51C):c.31C>T (p.Gln11Ter)

Gene: RAD51C (RAD51 paralog C; plus strand). Cytogenetic location: 17q22.
Variant type: single nucleotide variant.
Coding change: c.31C>T on transcript NM_058216.3 (MANE Select); coding-DNA position 31, C replaced by T.
Protein change: p.Gln11Ter; replaces glutamine 11 with a stop codon.
Molecular consequence: nonsense. On other transcripts: non-coding transcript variant (2).
Genome position (GRCh38, 1-based): chr17:58,692,674, C>T. VCF-style: chr17-58692674-C-T. GRCh37 (hg19) VCF-style: chr17-56770035-C-T.
Other names: c.31C>T, p.Gln11Ter (NM_002876.4); short protein forms Q11*.
Identifiers: ClinVar variation 575818 (VCV000575818.6), dbSNP rs1567782755, ClinGen allele CA400336417.